The following is an entry in ClinVar:

ClinVar aggregate classification (germline): Uncertain significance. Review status: criteria provided, multiple submitters, no conflicts (2 of 4 stars). 2 submissions from 2 submitters: Uncertain significance (2). Last evaluated 2023-11-29.

Conditions:
Hereditary cancer-predisposing syndrome. Also called: Hereditary Cancer Syndrome; Neoplastic Syndromes, Hereditary; Tumor predisposition; Hereditary neoplastic syndrome. Identifiers: Orphanet 140162, MedGen C0027672, MeSH D009386, MONDO:0015356.
Familial cancer of breast. Also called: BREAST CANCER, FAMILIAL; Hereditary breast cancer; hereditary breast carcinoma. Identifiers: Orphanet 227535, MedGen C0346153, MONDO:0016419, OMIM 114480. Disease mechanism: loss of function.

Submissions (2):

Baylor Genetics
Classification: Uncertain significance for Familial cancer of breast. Last evaluated: 2023-11-29. Review status: criteria provided, single submitter. Criteria: ACMG Guidelines, 2015. Collection method: clinical testing. Allele origin: unknown.

Ambry Genetics
Classification: Uncertain significance for Hereditary cancer-predisposing syndrome. Last evaluated: 2022-07-22. Review status: criteria provided, single submitter. Criteria: Ambry Variant Classification Scheme 2023. Collection method: clinical testing. Allele origin: germline.
Comment: The p.D2N variant (also known as c.4G>A), located in coding exon 1 of the PALB2 gene, results from a G to A substitution at nucleotide position 4. The aspartic acid at codon 2 is replaced by asparagine, an amino acid with highly similar properties. This amino acid position is poorly conserved in available vertebrate species. In addition, this alteration is predicted to be tolerated by in silico analysis. Since supporting evidence is limited at this time, the clinical significance of this alteration remains unclear.

NM_024675.4(PALB2):c.4G>A (p.Asp2Asn)

Gene: PALB2 (partner and localizer of BRCA2; minus strand). Cytogenetic location: 16p12.2.
Variant type: single nucleotide variant.
Coding change: c.4G>A on transcript NM_024675.4 (MANE Select); coding-DNA position 4, G replaced by A.
Protein change: p.Asp2Asn; replaces aspartic acid 2 with asparagine.
Molecular consequence: missense variant.
Genome position (GRCh38, 1-based): chr16:23,641,154, C>T on the plus strand (G>A on the coding strand, the complement: PALB2 is on the minus strand). VCF-style: chr16-23641154-C-T. GRCh37 (hg19) VCF-style: chr16-23652475-C-T.
Other names: c.4G>A, p.Asp2Asn (NM_001407296.1, NM_001407297.1, NM_001407298.1 and 5 more transcripts); c.-1016G>A (NM_001407309.1, NM_001407305.1, NM_001407307.1 and 1 more transcripts); c.-1740G>A (NM_001407304.1, NM_001407310.1); c.-865G>A (NM_001407306.1, NM_001407308.1); c.-149G>A (NM_001407312.1, NM_001407313.1); short protein forms D2N.
Identifiers: ClinVar variation 1744704 (VCV001744704.3), dbSNP rs1224301730, ClinGen allele CA395141265.
Genomic context (GRCh38, chr16:23,641,154, plus strand): 5'-CCCGCACCCCCGGCACCTTTTCCTTCTCCTCACAGCTGAGGGGCTTCCCGGGAGGCTCGT[C>T]CATCGGGCAGGCGACAGAACGAAAAGAGCAGCCGTCGCCGACCCCAGGCCTGCCGACACC-3'
Protein context (NP_078951.2, residues 1-12): M[Asp2Asn]EPPGKPLSCE